The following is an entry in ClinVar:

ClinVar aggregate classification (germline): Pathogenic (1 of 4 stars; one submission).

Allele frequency attached by ClinVar (database versions not stated): gnomAD 0.00001; gnomAD exomes 0.00001.

Submission:

GeneDx
Classification: Pathogenic. Last evaluated: 2022-03-30. Review status: criteria provided, single submitter. Criteria: GeneDx Variant Classification Process June 2021. Collection method: clinical testing. Allele origin: germline. Affected: yes.
Comment: Not observed at significant frequency in large population cohorts (gnomAD); Nonsense variant predicted to result in protein truncation or nonsense mediated decay in a gene for which loss of function is a known mechanism of disease; This variant is associated with the following publications: (PMID: 27166630)

NM_138369.3(BOD1):c.334C>T (p.Arg112Ter)

Gene: BOD1 (biorientation of chromosomes in cell division 1; minus strand). Cytogenetic location: 5q35.2.
Variant type: single nucleotide variant.
Coding change: c.334C>T on transcript NM_138369.3 (MANE Select); coding-DNA position 334, C replaced by T.
Protein change: p.Arg112Ter; replaces arginine 112 with a stop codon.
Molecular consequence: nonsense. On other transcripts: non-coding transcript variant (3).
Genome position (GRCh38, 1-based): chr5:173,613,159, G>A on the plus strand (C>T on the coding strand, the complement: BOD1 is on the minus strand). VCF-style: chr5-173613159-G-A. GRCh37 (hg19) VCF-style: chr5-173040162-G-A.
Other names: c.334C>T, p.Arg112Ter (NM_001159651.3); short protein forms R112*.
Identifiers: ClinVar variation 1698073 (VCV001698073.2), dbSNP rs1188117543, ClinGen allele CA362220517.